The following is an entry in ClinVar:

ClinVar aggregate classification (germline): Uncertain significance. Review status: criteria provided, multiple submitters, no conflicts (2 of 4 stars). 5 submissions from 5 submitters: Uncertain significance (5). Last evaluated 2024-12-12.

Conditions:
Colorectal cancer, susceptibility to, 12 (CRCS12). Also called: COLORECTAL CANCER, SUSCEPTIBILITY TO, ON CHROMOSOME 12q24. Identifiers: Orphanet 220460, MedGen C3554460, MONDO:0014038, OMIM 615083.
Hereditary cancer-predisposing syndrome. Also called: Neoplastic Syndromes, Hereditary; Tumor predisposition; Hereditary Cancer Syndrome; Hereditary neoplastic syndrome. Identifiers: Orphanet 140162, MedGen C0027672, MeSH D009386, MONDO:0015356.
Facial dysmorphism-immunodeficiency-livedo-short stature syndrome. Also called: Facial dysmorphism, immunodeficiency, livedo, and short stature; FILS syndrome. Identifiers: Orphanet 352712, MedGen C3554576, MONDO:0014058, OMIM 615139.
Intrauterine growth retardation, metaphyseal dysplasia, adrenal hypoplasia congenita, genital anomalies, and immunodeficiency. Also called: IMAGEI SYNDROME. Identifiers: MedGen C5193036, MONDO:0032684, OMIM 618336.

gnomAD v4.1: 8 of 1,613,272 alleles (0.0005%); highest among the groups gnomAD compares: Non-Finnish European, 0.00068%; no homozygotes.

Submissions (5):

Labcorp Genetics (formerly Invitae), Labcorp
Classification: Uncertain significance. Last evaluated: 2024-12-12. Review status: criteria provided, single submitter. Criteria: Invitae Variant Classification Sherloc (09022015). Collection method: clinical testing. Allele origin: germline.
Comment: This sequence change replaces aspartic acid, which is acidic and polar, with glutamic acid, which is acidic and polar, at codon 275 of the POLE protein (p.Asp275Glu). This variant is present in population databases (no rsID available, gnomAD 0.0009%). This variant has not been reported in the literature in individuals affected with POLE-related conditions. ClinVar contains an entry for this variant (Variation ID: 484582). Invitae Evidence Modeling of protein sequence and biophysical properties (such as structural, functional, and spatial information, amino acid conservation, physicochemical variation, residue mobility, and thermodynamic stability) indicates that this missense variant is expected to disrupt POLE protein function with a positive predictive value of 80%. In summary, the available evidence is currently insufficient to determine the role of this variant in disease. Therefore, it has been classified as a Variant of Uncertain Significance.

GeneDx
Classification: Uncertain significance. Last evaluated: 2023-10-27. Review status: criteria provided, single submitter. Criteria: GeneDx Variant Classification Process June 2021. Collection method: clinical testing. Allele origin: germline. Affected: yes.
Comment: Not observed at significant frequency in large population cohorts (gnomAD); In silico analysis supports that this missense variant has a deleterious effect on protein structure/function; Has not been previously published as pathogenic or benign to our knowledge; This variant is associated with the following publications: (PMID: 20951805)

Baylor Genetics
Classification: Uncertain significance for Colorectal cancer, susceptibility to, 12. Last evaluated: 2023-09-25. Review status: criteria provided, single submitter. Criteria: ACMG Guidelines, 2015. Collection method: clinical testing. Allele origin: unknown.

Ambry Genetics
Classification: Uncertain significance for Hereditary cancer-predisposing syndrome. Last evaluated: 2022-06-06. Review status: criteria provided, single submitter. Criteria: Ambry Variant Classification Scheme 2023. Collection method: clinical testing. Allele origin: germline.
Comment: The p.D275E variant (also known as c.825C>G), located in coding exon 9 of the POLE gene, results from a C to G substitution at nucleotide position 825. The aspartic acid at codon 275 is replaced by glutamic acid, an amino acid with highly similar properties. This amino acid position is highly conserved in available vertebrate species. In addition, the in silico prediction for this alteration is inconclusive. Since supporting evidence is limited at this time, the clinical significance of this alteration remains unclear.

Department of Pathology and Laboratory Medicine, Sinai Health System
Classification: Uncertain significance for Colorectal cancer, susceptibility to, 12; Facial dysmorphism-immunodeficiency-livedo-short stature syndrome; Intrauterine growth retardation, metaphyseal dysplasia, adrenal hypoplasia congenita, genital anomalies, and immunodeficiency. Last evaluated: 2020-03-18. Review status: criteria provided, single submitter. Criteria: ACMG Guidelines, 2015. Collection method: clinical testing. Allele origin: germline. Affected: yes.

NM_006231.4(POLE):c.825C>G (p.Asp275Glu)

Gene: POLE (DNA polymerase epsilon, catalytic subunit; minus strand). Cytogenetic location: 12q24.33.
Variant type: single nucleotide variant.
Coding change: c.825C>G on transcript NM_006231.4 (MANE Select); coding-DNA position 825, C replaced by G.
Protein change: p.Asp275Glu; replaces aspartic acid 275 with glutamic acid.
Molecular consequence: missense variant.
Genome position (GRCh38, 1-based): chr12:132,676,630, G>C on the plus strand (C>G on the coding strand, the complement: POLE is on the minus strand). VCF-style: chr12-132676630-G-C. GRCh37 (hg19) VCF-style: chr12-133253216-G-C.
Other names: short protein forms D275E.
Identifiers: ClinVar variation 484582 (VCV000484582.18), dbSNP rs1483809345, ClinGen allele CA387364339.